The following is an entry in ClinVar:

ClinVar aggregate classification (germline): Uncertain significance. Review status: criteria provided, multiple submitters, no conflicts (2 of 4 stars). 2 submissions from 2 submitters: Uncertain significance (2). Last evaluated 2022-12-16.

Conditions:
Hereditary cancer-predisposing syndrome. Also called: Hereditary Cancer Syndrome; Hereditary neoplastic syndrome; Neoplastic Syndromes, Hereditary; Tumor predisposition. Identifiers: Orphanet 140162, MedGen C0027672, MeSH D009386, MONDO:0015356.

Allele frequency attached by ClinVar (database versions not stated): TOPMed below 0.00001; gnomAD 0.00001.
gnomAD v4.1: 1 of 1,609,596 alleles (0.000062%); highest among the groups gnomAD compares: Non-Finnish European, 0.000085%; no homozygotes.

Submissions (2):

Labcorp Genetics (formerly Invitae), Labcorp
Classification: Uncertain significance for Hereditary cancer-predisposing syndrome. Last evaluated: 2022-12-16. Review status: criteria provided, single submitter. Criteria: Invitae Variant Classification Sherloc (09022015). Collection method: clinical testing. Allele origin: germline.
Comment: In summary, the available evidence is currently insufficient to determine the role of this variant in disease. Therefore, it has been classified as a Variant of Uncertain Significance. Advanced modeling of protein sequence and biophysical properties (such as structural, functional, and spatial information, amino acid conservation, physicochemical variation, residue mobility, and thermodynamic stability) performed at Invitae indicates that this missense variant is expected to disrupt RAD50 protein function. ClinVar contains an entry for this variant (Variation ID: 408367). This variant has not been reported in the literature in individuals affected with RAD50-related conditions. This variant is not present in population databases (gnomAD no frequency). This sequence change replaces leucine, which is neutral and non-polar, with phenylalanine, which is neutral and non-polar, at codon 622 of the RAD50 protein (p.Leu622Phe).

Ambry Genetics
Classification: Uncertain significance for Hereditary cancer-predisposing syndrome. Last evaluated: 2019-06-26. Review status: criteria provided, single submitter. Criteria: Ambry Variant Classification Scheme 2023. Collection method: clinical testing. Allele origin: germline.
Comment: The p.L622F variant (also known as c.1866G>T), located in coding exon 12 of the RAD50 gene, results from a G to T substitution at nucleotide position 1866. The leucine at codon 622 is replaced by phenylalanine, an amino acid with highly similar properties. This amino acid position is highly conserved in available vertebrate species. In addition, this alteration is predicted to be tolerated by in silico analysis. Since supporting evidence is limited at this time, the clinical significance of this alteration remains unclear.

NM_005732.4(RAD50):c.1866G>T (p.Leu622Phe)

Gene: RAD50 (RAD50 double strand break repair protein; plus strand). Cytogenetic location: 5q31.1.
Variant type: single nucleotide variant.
Coding change: c.1866G>T on transcript NM_005732.4 (MANE Select); coding-DNA position 1866, G replaced by T.
Protein change: p.Leu622Phe; replaces leucine 622 with phenylalanine.
Molecular consequence: missense variant.
Genome position (GRCh38, 1-based): chr5:132,594,941, G>T. VCF-style: chr5-132594941-G-T. GRCh37 (hg19) VCF-style: chr5-131930633-G-T.
Other names: short protein forms L622F.
Identifiers: ClinVar variation 408367 (VCV000408367.13), dbSNP rs1060501948, ClinGen allele CA16611832.
Genomic context (GRCh38, chr5:132,594,941, plus strand): 5'-TTCATCTGAGCAGAATAAAAATCATATAAATAATGAACTAAAAAGAAAGGAAGAGCAGTT[G>T]TCCAGTTACGAAGACAAGCTGTTTGATGTTTGTGGTAGCCAGGATTTTGAAAGTGATTTA-3'
Protein context (NP_005723.2, residues 612-632): NNELKRKEEQ[Leu622Phe]SSYEDKLFDV